The following is an entry in ClinVar:

NM_001243279.3(ACSF3):c.1021G>T (p.Glu341Ter)

Genes: ACSF3 (acyl-CoA synthetase family member 3; plus strand), LOC125177393 (P300/CBP strongly-dependent group 1 enhancer GRCh37_chr16:89180375-89181574; plus strand). Cytogenetic location: 16q24.3.
Variant type: single nucleotide variant.
Coding change: c.1021G>T on transcript NM_001243279.3 (MANE Select); coding-DNA position 1021, G replaced by T.
Protein change: p.Glu341Ter; replaces glutamic acid 341 with a stop codon.
Molecular consequence: nonsense. On other transcripts: non-coding transcript variant (2).
Genome position (GRCh38, 1-based): chr16:89,114,382, G>T. VCF-style: chr16-89114382-G-T. GRCh37 (hg19) VCF-style: chr16-89180790-G-T.
Other names: c.1021G>T, p.Glu341Ter (NM_001127214.4, NM_174917.5); c.226G>T, p.Glu76Ter (NM_001284316.2); short protein forms E341*, E76*.
Identifiers: ClinVar variation 4816965 (VCV004816965.1).

ClinVar aggregate classification (germline): Likely pathogenic (1 of 4 stars; one submission).

Conditions:
Combined malonic and methylmalonic acidemia. Identifiers: Orphanet 289504, MedGen C3280314, MONDO:0013661, OMIM 614265.

gnomAD v4.1: 1 of 1,614,096 alleles (0.000062%); highest among the groups gnomAD compares: Non-Finnish European, 0.000085%; no homozygotes.

Submission:

Natera, Inc.
Classification: Likely pathogenic for Combined malonic and methylmalonic aciduria. Last evaluated: 2024-05-09. Review status: criteria provided, single submitter. Criteria: Natera Variant Classification Schema (03/2026). Collection method: clinical testing. Allele origin: germline.
Comment: The c.1021G>T variant in ACSF3 is a nonsense variant predicted to introduce a stop codon at amino acid 341. This variant is expected to result in nonsense mediated decay, truncation, or a dysfunctional protein product. This variant is rare in the general population with a frequency below the threshold expected for the associated phenotype(s). Given the available evidence, this variant is classified as Likely Pathogenic.